The following is an entry in ClinVar:

NM_057175.5(NAA15):c.1391T>C (p.Met464Thr)

Gene: NAA15 (N-alpha-acetyltransferase 15, NatA auxiliary subunit; plus strand). Cytogenetic location: 4q31.1.
Variant type: single nucleotide variant.
Coding change: c.1391T>C on transcript NM_057175.5 (MANE Select); coding-DNA position 1391, T replaced by C.
Protein change: p.Met464Thr; replaces methionine 464 with threonine.
Molecular consequence: missense variant.
Genome position (GRCh38, 1-based): chr4:139,359,876, T>C. VCF-style: chr4-139359876-T-C. GRCh37 (hg19) VCF-style: chr4-140281030-T-C.
Other names: c.1391T>C, p.Met464Thr (NM_001410842.1); short protein forms M464T.
Identifiers: ClinVar variation 3611566 (VCV003611566.2).
Genomic context (GRCh38, chr4:139,359,876, plus strand): 5'-TCAACTCCAAATGTGCAAAATACATGCTAAAAGCCAACCTGATTAAAGAAGCTGAAGAAA[T>C]GTGCTCAAAGTTTACAAGGGTTTGTACAGCTAGTGTTCTTAATTATGAATAAAGAAGACA-3'
Protein context (NP_476516.1, residues 454-474): KANLIKEAEE[Met464Thr]CSKFTREGTS

ClinVar aggregate classification (germline): Uncertain significance (1 of 4 stars; one submission).

gnomAD v4.1: 4 of 1,595,776 alleles (0.00025%); highest among the groups gnomAD compares: African/African-American, 0.0014%; no homozygotes.

Submission:

Labcorp Genetics (formerly Invitae), Labcorp
Classification: Uncertain significance. Last evaluated: 2024-12-07. Review status: criteria provided, single submitter. Criteria: Invitae Variant Classification Sherloc (09022015). Collection method: clinical testing. Allele origin: germline.
Comment: This sequence change replaces methionine, which is neutral and non-polar, with threonine, which is neutral and polar, at codon 464 of the NAA15 protein (p.Met464Thr). This variant is present in population databases (rs768585077, gnomAD 0.002%). This variant has not been reported in the literature in individuals affected with NAA15-related conditions. An algorithm developed to predict the effect of missense changes on protein structure and function (PolyPhen-2) suggests that this variant is likely to be tolerated. In summary, the available evidence is currently insufficient to determine the role of this variant in disease. Therefore, it has been classified as a Variant of Uncertain Significance.